The following is an entry in ClinVar:

ClinVar aggregate classification (germline): Uncertain significance. Review status: criteria provided, multiple submitters, no conflicts (2 of 4 stars). 4 submissions from 4 submitters: Uncertain significance (4). Last evaluated 2026-02-20.

Conditions:
Pleuropulmonary blastoma (PPB). Identifiers: Orphanet 64742, MedGen C1266144, MONDO:0011014, OMIM 601200, HP:0100528.
Euthyroid goiter (MNG1). Also called: SIMPLE GOITER; GOITER, NONTOXIC, WITH INTRATHYROIDAL CALCIFICATION; Goiter, multinodular 1, with or without Sertoli-Leydig cell tumors; MULTINODULAR GOITER, ADOLESCENT. Identifiers: Orphanet 276399, MedGen C0302859, MONDO:0007681, OMIM 138800, HP:0009798.
Rhabdomyosarcoma, embryonal, 2 (RMSE2). Identifiers: MedGen C1867234, MONDO:0859046, OMIM 180295.
Global developmental delay - lung cysts - overgrowth - Wilms tumor syndrome. Also called: GLOW Syndrome; GLOBAL DEVELOPMENTAL DELAY, LUNG CYSTS, OVERGROWTH, AND WILMS TUMOR. Identifiers: Orphanet 404476, MedGen C4748924, MONDO:0018445, OMIM 618272.
Hereditary cancer-predisposing syndrome. Also called: Tumor predisposition; Hereditary neoplastic syndrome; Neoplastic Syndromes, Hereditary; Hereditary Cancer Syndrome. Identifiers: Orphanet 140162, MedGen C0027672, MeSH D009386, MONDO:0015356.
DICER1-related tumor predisposition. Also called: DICER1 syndrome; DICER1-related pleuropulmonary blastoma cancer predisposition syndrome. Identifiers: Orphanet 284343, MedGen C3839822, MONDO:0100216.

gnomAD v4.1: 4 of 1,613,488 alleles (0.00025%); highest among the groups gnomAD compares: Middle Eastern, 0.066%; no homozygotes.

Submissions (4):

St. Jude Molecular Pathology, St. Jude Children's Research Hospital
Classification: Uncertain significance for Pleuropulmonary blastoma. Last evaluated: 2026-02-20. Review status: criteria provided, single submitter. Criteria: St. Jude Assertion Criteria 2020. Collection method: clinical testing. Allele origin: germline.
Comment: The DICER1 c.376A>T p.(Asn126Tyr) missense change is absent in gnomAD v2.1.1. The in silico tool REVEL predicts a benign effect on protein function and no splicing effects are predicted, but to our knowledge these predictions have not been confirmed by functional studies. To our knowledge, this variant has not been reported in individuals with DICER1 syndrome. In summary, the evidence currently available is insufficient to determine the clinical significance of this variant. It has therefore been classified as of uncertain significance.

Fulgent Genetics
Classification: Uncertain significance for Euthyroid goiter; Rhabdomyosarcoma, embryonal, 2; Pleuropulmonary blastoma; Global developmental delay - lung cysts - overgrowth - Wilms tumor syndrome. Last evaluated: 2024-03-24. Review status: criteria provided, single submitter. Criteria: ACMG Guidelines, 2015. Collection method: clinical testing. Allele origin: germline.

Labcorp Genetics (formerly Invitae), Labcorp
Classification: Uncertain significance for DICER1-related tumor predisposition. Last evaluated: 2023-10-05. Review status: criteria provided, single submitter. Criteria: Invitae Variant Classification Sherloc (09022015). Collection method: clinical testing. Allele origin: germline.
Comment: This sequence change replaces asparagine, which is neutral and polar, with tyrosine, which is neutral and polar, at codon 126 of the DICER1 protein (p.Asn126Tyr). This variant is not present in population databases (gnomAD no frequency). This variant has not been reported in the literature in individuals affected with DICER1-related conditions. ClinVar contains an entry for this variant (Variation ID: 1524451). Advanced modeling of protein sequence and biophysical properties (such as structural, functional, and spatial information, amino acid conservation, physicochemical variation, residue mobility, and thermodynamic stability) performed at Invitae indicates that this missense variant is not expected to disrupt DICER1 protein function. In summary, the available evidence is currently insufficient to determine the role of this variant in disease. Therefore, it has been classified as a Variant of Uncertain Significance.

Ambry Genetics
Classification: Uncertain significance for Hereditary cancer-predisposing syndrome. Last evaluated: 2023-02-24. Review status: criteria provided, single submitter. Criteria: Ambry Variant Classification Scheme 2023. Collection method: clinical testing. Allele origin: germline.
Comment: The p.N126Y variant (also known as c.376A>T), located in coding exon 3 of the DICER1 gene, results from an A to T substitution at nucleotide position 376. The asparagine at codon 126 is replaced by tyrosine, an amino acid with dissimilar properties. This amino acid position is conserved. In addition, this alteration is predicted to be tolerated by in silico analysis. Since supporting evidence is limited at this time, the clinical significance of this alteration remains unclear.

NM_177438.3(DICER1):c.376A>T (p.Asn126Tyr)

Gene: DICER1 (dicer 1, ribonuclease III; minus strand). Cytogenetic location: 14q32.13.
Variant type: single nucleotide variant.
Coding change: c.376A>T on transcript NM_177438.3 (MANE Select); coding-DNA position 376, A replaced by T.
Protein change: p.Asn126Tyr; replaces asparagine 126 with tyrosine.
Molecular consequence: missense variant.
Genome position (GRCh38, 1-based): chr14:95,131,571, T>A on the plus strand (A>T on the coding strand, the complement: DICER1 is on the minus strand). VCF-style: chr14-95131571-T-A. GRCh37 (hg19) VCF-style: chr14-95597908-T-A.
Other names: c.376A>T, p.Asn126Tyr (NM_001195573.1, NM_001271282.3, NM_001291628.2 and 1 more transcripts); c.376A>T (NM_177438.2); short protein forms N126Y.
Identifiers: ClinVar variation 1524451 (VCV001524451.10), dbSNP rs373734886, ClinGen allele CA390889090.
Genomic context (GRCh38, chr14:95,131,571, plus strand): 5'-GGTGCTTAGTAAACTCTTGGTTCCATCTCTCTTTTGTCCAAGATGCATTTACTTCTAGGT[T>A]TGAGTATTCCCCAACCTTGAGATCTGAATGAGTTCTGACAGCTGACACTTGTTGAGCAAC-3'
Protein context (NP_803187.1, residues 116-136): HSDLKVGEYS[Asn126Tyr]LEVNASWTKE